The following is an entry in ClinVar:

NM_004364.5(CEBPA):c.94G>A (p.Gly32Ser)

Gene: CEBPA (CCAAT enhancer binding protein alpha; minus strand). Cytogenetic location: 19q13.11.
Variant type: single nucleotide variant.
Coding change: c.94G>A on transcript NM_004364.5 (MANE Select); coding-DNA position 94, G replaced by A.
Protein change: p.Gly32Ser; replaces glycine 32 with serine.
Molecular consequence: missense variant. On other transcripts: 5 prime UTR variant (1).
Genome position (GRCh38, 1-based): chr19:33,302,321, C>T on the plus strand (G>A on the coding strand, the complement: CEBPA is on the minus strand). VCF-style: chr19-33302321-C-T. GRCh37 (hg19) VCF-style: chr19-33793227-C-T.
Other names: c.-264G>A (NM_001285829.2); c.199G>A, p.Gly67Ser (NM_001287424.2); c.52G>A, p.Gly18Ser (NM_001287435.2); c.94G>A (NM_004364.3); short protein forms G32S, G67S, G18S.
Identifiers: ClinVar variation 456708 (VCV000456708.10), dbSNP rs1348778034, ClinGen allele CA405275687.
Genomic context (GRCh38, chr19:33,302,321, plus strand): 5'-GCGGCTCCGGGGCGGCAGGTGGGGCGGGAGGCTGCGCGGGGCCCGCGCCCCGGGGAAAGC[C>T]GAAGGCGGCGCTGCTGGGCGCGTGCGGGGGGCTCTGCAGGTGGCTGCTCATCGGGGGCCG-3'
Protein context (NP_004355.2, residues 22-42): PPHAPSSAAF[Gly32Ser]FPRGAGPAQP

ClinVar aggregate classification (germline): Uncertain significance. Review status: criteria provided, multiple submitters, no conflicts (2 of 4 stars). 2 submissions from 2 submitters: Uncertain significance (2). Last evaluated 2025-06-21.

Conditions:
Inborn genetic diseases. Identifiers: MedGen C0950123, MeSH D030342.
Acute myeloid leukemia (AML). Also called: Leukemia, acute myeloid, somatic; Leukemia, acute myelogenous, somatic; Acute myeloid leukemia, adult; AML adult; Acute non-lymphocytic leukemia; Acute granulocytic leukemia. Identifiers: Orphanet 519, MedGen C0023467, MeSH D015470, MONDO:0018874, OMIM 601626, HP:0004808. Disease mechanism: Constitutively activated FLT3.

Submissions (2):

Ambry Genetics
Classification: Uncertain significance for Inborn genetic diseases. Last evaluated: 2025-06-21. Review status: criteria provided, single submitter. Criteria: Ambry Variant Classification Scheme 2023. Collection method: clinical testing. Allele origin: germline.
Comment: The p.G32S variant (also known as c.94G>A), located in coding exon 1 of the CEBPA gene, results from a G to A substitution at nucleotide position 94. The glycine at codon 32 is replaced by serine, an amino acid with similar properties. This amino acid position is conserved. In addition, this alteration is predicted to be tolerated by in silico analysis. Based on the available evidence, the clinical significance of this variant remains unclear.

Labcorp Genetics (formerly Invitae), Labcorp
Classification: Uncertain significance for Acute myeloid leukemia. Last evaluated: 2022-11-01. Review status: criteria provided, single submitter. Criteria: Invitae Variant Classification Sherloc (09022015). Collection method: clinical testing. Allele origin: germline.
Comment: In summary, the available evidence is currently insufficient to determine the role of this variant in disease. Therefore, it has been classified as a Variant of Uncertain Significance. Algorithms developed to predict the effect of missense changes on protein structure and function are either unavailable or do not agree on the potential impact of this missense change (SIFT: "Deleterious"; PolyPhen-2: "Benign"; Align-GVGD: "Class C0"). ClinVar contains an entry for this variant (Variation ID: 456708). This variant has not been reported in the literature in individuals affected with CEBPA-related conditions. This variant is present in population databases (no rsID available, gnomAD 0.01%). This sequence change replaces glycine, which is neutral and non-polar, with serine, which is neutral and polar, at codon 32 of the CEBPA protein (p.Gly32Ser).